The following is an entry in ClinVar:

NM_000051.4(ATM):c.6629A>C (p.Gln2210Pro)

Genes: ATM (ATM serine/threonine kinase; plus strand), C11orf65 (chromosome 11 open reading frame 65; minus strand). Cytogenetic location: 11q22.3.
Variant type: single nucleotide variant.
Coding change: c.6629A>C on transcript NM_000051.4 (MANE Select); coding-DNA position 6629, A replaced by C.
Protein change: p.Gln2210Pro; replaces glutamine 2210 with proline.
Molecular consequence: missense variant. On other transcripts: intron variant (2).
Genome position (GRCh38, 1-based): chr11:108,325,366, A>C. VCF-style: chr11-108325366-A-C. GRCh37 (hg19) VCF-style: chr11-108196093-A-C.
Other names: c.6629A>C, p.Gln2210Pro (NM_001351834.2); c.641-16295T>G (NM_001330368.2); c.*38+9854T>G (NM_001351110.2); short protein forms Q2210P.
Identifiers: ClinVar variation 569724 (VCV000569724.10), dbSNP rs1252127806, ClinGen allele CA382554768.

ClinVar aggregate classification (germline): Uncertain significance. Review status: criteria provided, multiple submitters, no conflicts (2 of 4 stars). 3 submissions from 3 submitters: Uncertain significance (3). Last evaluated 2025-11-22.

Conditions:
Hereditary cancer-predisposing syndrome. Also called: Hereditary Cancer Syndrome; Neoplastic Syndromes, Hereditary; Tumor predisposition; Hereditary neoplastic syndrome. Identifiers: Orphanet 140162, MedGen C0027672, MeSH D009386, MONDO:0015356.
Ataxia-telangiectasia syndrome (AT). Also called: Cerebello-oculocutaneous telangiectasia; Immunodeficiency with ataxia telangiectasia; Ataxia-telangiectasia, complementation group E; Ataxia-telangiectasia, complementation group D; AT, COMPLEMENTATION GROUP C; ATAXIA-TELANGIECTASIA, COMPLEMENTATION GROUP A. Identifiers: Orphanet 100, MedGen C0004135, MONDO:0008840, OMIM 208900.

Allele frequency attached by ClinVar (database versions not stated): TOPMed below 0.00001; gnomAD 0.00001.
gnomAD v4.1: 22 of 1,612,808 alleles (0.0014%); highest among the groups gnomAD compares: Non-Finnish European, 0.0019%; no homozygotes.

Submissions (3):

Ambry Genetics
Classification: Uncertain significance for Hereditary cancer-predisposing syndrome. Last evaluated: 2025-11-22. Review status: criteria provided, single submitter. Criteria: Ambry Variant Classification Scheme 2023. Collection method: clinical testing. Allele origin: germline.
Comment: The p.Q2210P variant (also known as c.6629A>C), located in coding exon 45 of the ATM gene, results from an A to C substitution at nucleotide position 6629. The glutamine at codon 2210 is replaced by proline, an amino acid with similar properties. This variant was observed in an individual with breast cancer amongst a cohort of 1781 non-Ashkenazi Jewish individuals undergoing BRCA1/2 gene testing based on a personal history of breast cancer (Tung N et al. Cancer, 2015 Jan;121:25-33).This amino acid position is well conserved in available vertebrate species. In addition, the in silico prediction for this alteration is inconclusive. Since supporting evidence is limited at this time, the clinical significance of this alteration remains unclear.

Labcorp Genetics (formerly Invitae), Labcorp
Classification: Uncertain significance for Ataxia-telangiectasia syndrome. Last evaluated: 2025-10-22. Review status: criteria provided, single submitter. Criteria: Invitae Variant Classification Sherloc (09022015). Collection method: clinical testing. Allele origin: germline.
Comment: This sequence change replaces glutamine, which is neutral and polar, with proline, which is neutral and non-polar, at codon 2210 of the ATM protein (p.Gln2210Pro). This variant is not present in population databases (gnomAD no frequency). This variant has not been reported in the literature in individuals affected with ATM-related conditions. ClinVar contains an entry for this variant (Variation ID: 569724). Invitae Evidence Modeling of protein sequence and biophysical properties (such as structural, functional, and spatial information, amino acid conservation, physicochemical variation, residue mobility, and thermodynamic stability) indicates that this missense variant is not expected to disrupt ATM protein function with a negative predictive value of 95%. In summary, the available evidence is currently insufficient to determine the role of this variant in disease. Therefore, it has been classified as a Variant of Uncertain Significance.

GeneDx
Classification: Uncertain significance. Last evaluated: 2022-12-01. Review status: criteria provided, single submitter. Criteria: GeneDx Variant Classification Process June 2021. Collection method: clinical testing. Allele origin: germline. Affected: yes.
Comment: Not observed at significant frequency in large population cohorts (gnomAD); In silico analysis supports that this missense variant does not alter protein structure/function; Observed in an individual with breast cancer (Tung et al., 2015); This variant is associated with the following publications: (PMID: 23532176, 25186627)

Literature cited by the submitters: PubMed 25186627 (cited by Ambry Genetics).